The following is an entry in ClinVar:

ClinVar aggregate classification (germline): Likely pathogenic. Review status: criteria provided, multiple submitters, no conflicts (2 of 4 stars). 2 submissions from 2 submitters: Likely pathogenic (2). Last evaluated 2024-04-16.

Conditions:
Cardiovascular phenotype. Identifiers: MedGen CN230736.

Submissions (2):

Ambry Genetics
Classification: Likely pathogenic for Cardiovascular phenotype. Last evaluated: 2024-04-16. Review status: criteria provided, single submitter. Criteria: Ambry Variant Classification Scheme 2023. Collection method: clinical testing. Allele origin: germline.
Comment: The c.5105+1G>A intronic variant results from a G to A substitution one nucleotide after coding exon 11 of the ALPK3 gene. This variant is considered to be rare based on population cohorts in the Genome Aggregation Database (gnomAD). This nucleotide position is highly conserved in available vertebrate species. In silico splice site analysis predicts that this alteration will weaken the native splice donor site and will result in the creation or strengthening of a novel splice donor site. Alterations that disrupt the canonical splice site are expected to cause aberrant splicing, resulting in an abnormal protein or a transcript that is subject to nonsense-mediated mRNA decay. As such, this alteration is classified as likely pathogenic.

Labcorp Genetics (formerly Invitae), Labcorp
Classification: Likely pathogenic. Last evaluated: 2023-06-22. Review status: criteria provided, single submitter. Criteria: Invitae Variant Classification Sherloc (09022015). Collection method: clinical testing. Allele origin: germline.
Comment: In summary, the currently available evidence indicates that the variant is pathogenic, but additional data are needed to prove that conclusively. Therefore, this variant has been classified as Likely Pathogenic. Algorithms developed to predict the effect of sequence changes on RNA splicing suggest that this variant may disrupt the consensus splice site. This variant has not been reported in the literature in individuals affected with ALPK3-related conditions. This variant is not present in population databases (gnomAD no frequency). This sequence change affects a donor splice site in intron 11 of the ALPK3 gene. It is expected to disrupt RNA splicing. Variants that disrupt the donor or acceptor splice site typically lead to a loss of protein function (PMID: 16199547), and loss-of-function variants in ALPK3 are known to be pathogenic (PMID: 21441111, 26846950, 27106955, 34263907).

Literature cited by the submitters: PubMed 16199547 (cited by Labcorp Genetics (formerly Invitae), Labcorp); PubMed 21441111 (cited by Labcorp Genetics (formerly Invitae), Labcorp); PubMed 26846950 (cited by Labcorp Genetics (formerly Invitae), Labcorp); PubMed 27106955 (cited by Labcorp Genetics (formerly Invitae), Labcorp); PubMed 34263907 (cited by Labcorp Genetics (formerly Invitae), Labcorp).

NM_020778.5(ALPK3):c.4499+1G>A

Gene: ALPK3 (alpha kinase 3; plus strand). Cytogenetic location: 15q25.3.
Variant type: single nucleotide variant.
Coding change: c.4499+1G>A on transcript NM_020778.5 (MANE Select); the canonical splice donor site of the intron after coding-DNA position 4499, G replaced by A.
Molecular consequence: splice donor variant.
Genome position (GRCh38, 1-based): chr15:84,863,641, G>A. VCF-style: chr15-84863641-G-A. GRCh37 (hg19) VCF-style: chr15-85406872-G-A.
Other names: c.5105+1G>A (NM_020778.4).
Identifiers: ClinVar variation 2724853 (VCV002724853.4), dbSNP rs2505728562, ClinGen allele CA393363970.